The following is an entry in ClinVar:

ClinVar aggregate classification (germline): Uncertain significance. Review status: criteria provided, multiple submitters, no conflicts (2 of 4 stars). 2 submissions from 2 submitters: Uncertain significance (2). Last evaluated 2026-07-07.

Conditions:
Oligodontia-cancer predisposition syndrome. Also called: TOOTH AGENESIS-COLORECTAL CANCER SYNDROME. Identifiers: Orphanet 300576, MedGen C1837750, MONDO:0012075, OMIM 608615. Disease mechanism: loss of function.
Hereditary cancer-predisposing syndrome. Also called: Tumor predisposition; Hereditary neoplastic syndrome; Neoplastic Syndromes, Hereditary; Hereditary Cancer Syndrome. Identifiers: Orphanet 140162, MedGen C0027672, MeSH D009386, MONDO:0015356.

Submissions (2):

Ambry Genetics
Classification: Uncertain significance for Hereditary cancer-predisposing syndrome. Last evaluated: 2026-07-07. Review status: criteria provided, single submitter. Criteria: Ambry Variant Classification Scheme 2023. Collection method: clinical testing. Allele origin: germline.
Comment: The p.I302R variant (also known as c.905T>G), located in coding exon 2 of the AXIN2 gene, results from a T to G substitution at nucleotide position 905. The isoleucine at codon 302 is replaced by arginine, an amino acid with similar properties. This amino acid position is conserved. In addition, the in silico prediction for this alteration is inconclusive. Based on the available evidence, the clinical significance of this variant remains unclear.

Labcorp Genetics (formerly Invitae), Labcorp
Classification: Uncertain significance for Oligodontia-cancer predisposition syndrome. Last evaluated: 2019-12-11. Review status: criteria provided, single submitter. Criteria: Invitae Variant Classification Sherloc (09022015). Collection method: clinical testing. Allele origin: germline.
Comment: In summary, the available evidence is currently insufficient to determine the role of this variant in disease. Therefore, it has been classified as a Variant of Uncertain Significance. Algorithms developed to predict the effect of missense changes on protein structure and function (SIFT, PolyPhen-2, Align-GVGD) all suggest that this variant is likely to be disruptive, but these predictions have not been confirmed by published functional studies and their clinical significance is uncertain. This variant has not been reported in the literature in individuals with AXIN2-related conditions. This variant is not present in population databases (ExAC no frequency). This sequence change replaces isoleucine with arginine at codon 302 of the AXIN2 protein (p.Ile302Arg). The isoleucine residue is weakly conserved and there is a moderate physicochemical difference between isoleucine and arginine.

NM_004655.4(AXIN2):c.905T>G (p.Ile302Arg)

Gene: AXIN2 (axin 2; minus strand). Cytogenetic location: 17q24.1.
Variant type: single nucleotide variant.
Coding change: c.905T>G on transcript NM_004655.4 (MANE Select); coding-DNA position 905, T replaced by G.
Protein change: p.Ile302Arg; replaces isoleucine 302 with arginine.
Molecular consequence: missense variant.
Genome position (GRCh38, 1-based): chr17:65,549,571, A>C on the plus strand (T>G on the coding strand, the complement: AXIN2 is on the minus strand). VCF-style: chr17-65549571-A-C. GRCh37 (hg19) VCF-style: chr17-63545689-A-C.
Other names: c.905T>G, p.Ile302Arg (NM_001363813.1); short protein forms I302R.
Identifiers: ClinVar variation 839363 (VCV000839363.10), dbSNP rs2044163044, ClinGen allele CA400679523.
Genomic context (GRCh38, chr17:65,549,571, plus strand): 5'-GATACTCACACACTGCTGTCCGTCATGGACATGGAATCATCCGTCAGCGCATCACTGGAT[A>C]TCTCACTGTCGTTGGCGCTGGTGGCTGGTGCAAAGACATAGCCAGAACCTATGTGATAAG-3'
Protein context (NP_004646.3, residues 292-312): APATSANDSE[Ile302Arg]SSDALTDDSM